The following is an entry in ClinVar:

NM_172351.3(CD46):c.673+58A>G

Gene: CD46 (CD46 molecule; plus strand). Cytogenetic location: 1q32.2.
Variant type: single nucleotide variant.
Coding change: c.673+58A>G on transcript NM_172351.3 (MANE Select); 58 bases into the intron after coding-DNA position 673, A replaced by G.
Molecular consequence: intron variant.
Genome position (GRCh38, 1-based): chr1:207,761,504, A>G. VCF-style: chr1-207761504-A-G. GRCh37 (hg19) VCF-style: chr1-207934849-A-G.
Other names: NC_000001.10:g.207934849A>G; c.673+58A>G (NM_002389.4, NM_172359.3, NM_153826.4 and 8 more transcripts).
Identifiers: ClinVar variation 1181135 (VCV001181135.5), dbSNP rs4844390, ClinGen allele CA10980558.
Genomic context (GRCh38, chr1:207,761,504, plus strand): 5'-AAGGTAGTGTTTCAATTTATTTCCTTCTTCATTTGTAAATACTATGGAAACATTTTGTAA[A>G]TAGTTTCATCTACAGATAAACAAAGCAGGTGTATGTGCTTCCTCCTCCTGTATAATTGGT-3'

ClinVar aggregate classification (germline): Benign. Review status: criteria provided, multiple submitters, no conflicts (2 of 4 stars). 3 submissions from 3 submitters: Benign (3). Last evaluated 2025-10-02.

Conditions:
Atypical hemolytic-uremic syndrome. Identifiers: Orphanet 2134, MedGen C2931788, MONDO:0016244.

Allele frequency attached by ClinVar (database versions not stated): 1000 Genomes Project 0.11641; 1000 Genomes Project 30x 0.11665; TOPMed 0.15516; gnomAD 0.15903 and 0.15907; gnomAD exomes 0.20521.
gnomAD v4.1: 279,216 of 1,402,798 alleles (20%); highest among the groups gnomAD compares: Admixed American, 27%; 30,650 homozygotes.

Submissions (11):

Genomenon, Inc
Classification: Benign for Atypical hemolytic-uremic syndrome. Last evaluated: 2025-10-02. Review status: criteria provided, single submitter. Criteria: Genomenon Sequence Variant Interpretation Standards. Collection method: curation. Allele origin: germline. Affected: no.
Comment: CD46 c.673+58A>G is an intronic variant in intron 5. This variant has been reported in the published literature (PMID:33920896;21706448;21840606). This variant is present at high allele frequency in population databases. In conclusion, we classify CD46 c.673+58A>G as a benign variant.

GeneDx
Classification: Benign. Last evaluated: 2021-06-18. Review status: criteria provided, single submitter. Criteria: GeneDx Variant Classification Process June 2021. Collection method: clinical testing. Allele origin: germline. Affected: yes.

Breakthrough Genomics
Classification: Benign. Review status: criteria provided, single submitter. Criteria: ACMG Guidelines, 2015. Collection method: not provided. Allele origin: germline. Inheritance: Autosomal recessive inheritance. Affected: yes.

Dr. Peter K. Rogan Lab, Western University
No classification provided (evidence only). Condition: Ovarian cancer. Review status: no classification provided. Collection method: in vitro. Allele origin: not applicable. Functional consequence: retained intron. Not counted in ClinVar's aggregate classification.

Dr. Peter K. Rogan Lab, Western University
No classification provided (evidence only). Condition: Ovarian cancer. Review status: no classification provided. Collection method: in vitro. Allele origin: not applicable. Functional consequence: retained intron. Not counted in ClinVar's aggregate classification.

Dr. Peter K. Rogan Lab, Western University
No classification provided (evidence only). Condition: Ovarian cancer. Review status: no classification provided. Collection method: in vitro. Allele origin: not applicable. Functional consequence: skipped exon. Not counted in ClinVar's aggregate classification.

Dr. Peter K. Rogan Lab, Western University
No classification provided (evidence only). Condition: Ovarian cancer. Review status: no classification provided. Collection method: in vitro. Allele origin: not applicable. Functional consequence: retained intron. Not counted in ClinVar's aggregate classification.

Dr. Peter K. Rogan Lab, Western University
No classification provided (evidence only). Condition: Ovarian cancer. Review status: no classification provided. Collection method: in vitro. Allele origin: not applicable. Functional consequence: retained intron. Not counted in ClinVar's aggregate classification.

Dr. Peter K. Rogan Lab, Western University
No classification provided (evidence only). Condition: Ovarian cancer. Review status: no classification provided. Collection method: in vitro. Allele origin: not applicable. Functional consequence: skipped exon, retained intron. Not counted in ClinVar's aggregate classification.

Dr. Peter K. Rogan Lab, Western University
No classification provided (evidence only). Condition: Ovarian cancer. Review status: no classification provided. Collection method: in vitro. Allele origin: not applicable. Functional consequence: retained intron. Not counted in ClinVar's aggregate classification.

Dr. Peter K. Rogan Lab, Western University
No classification provided (evidence only). Condition: Ovarian cancer. Review status: no classification provided. Collection method: in vitro. Allele origin: not applicable. Functional consequence: retained intron. Not counted in ClinVar's aggregate classification.

Literature cited by the submitters: PubMed 33920896 (cited by Genomenon, Inc); PubMed 21706448 (cited by Genomenon, Inc); PubMed 21840606 (cited by Genomenon, Inc).